The following is an entry in ClinVar:

NM_000283.4(PDE6B):c.*414C>T

Gene: PDE6B (phosphodiesterase 6B; plus strand). Cytogenetic location: 4p16.3.
Variant type: single nucleotide variant.
Coding change: c.*414C>T on transcript NM_000283.4 (MANE Select); 414 bases downstream of the stop codon, C replaced by T.
Molecular consequence: 3 prime UTR variant.
Genome position (GRCh38, 1-based): chr4:670,521, C>T. VCF-style: chr4-670521-C-T. GRCh37 (hg19) VCF-style: chr4-664310-C-T.
Other names: c.*414C>T (NM_001145291.2, NM_001145292.2, NM_001379246.1 and 1 more transcripts); c.*307C>T (NM_001350154.3, NM_001350155.3).
Identifiers: ClinVar variation 349410 (VCV000349410.6), dbSNP rs111404897, ClinGen allele CA10621510.
Genomic context (GRCh38, chr4:670,521, plus strand): 5'-TCGAACTCCTGACCTCAGGTGATCACCCGCCTCAGCTTCCTGAAGTGCTGGGATTACAGG[C>T]ATGAGCCACCACGCCCAGCCTGTTTTTATAAACTGAAGCCAACTGTGAATAAACTGTAGC-3'

ClinVar aggregate classification (germline): Benign/Likely benign. Review status: criteria provided, multiple submitters, no conflicts (2 of 4 stars). 3 submissions from 2 submitters: Benign (1); Likely benign (2). Last evaluated 2018-01-13.

Conditions:
Congenital stationary night blindness autosomal dominant 2. Also called: NIGHT BLINDNESS, CONGENITAL STATIONARY, RAMBUSCH TYPE. Identifiers: Orphanet 215, MedGen C1876182, MONDO:0008099, OMIM 163500.
Retinitis pigmentosa (RP). Identifiers: Orphanet 791, MedGen C0035334, MeSH D012174, MONDO:0019200, OMIM 268000. Inheritance: Autosomal dominant, autosomal recessive and X linked inheritance.

Allele frequency attached by ClinVar (database versions not stated): gnomAD 0.00863 and 0.00925; 1000 Genomes Project 0.00919; 1000 Genomes Project 30x 0.00968; TOPMed 0.00970.
gnomAD v4.1: 1,347 of 226,098 alleles (0.6%); highest among the groups gnomAD compares: African/African-American, 3%; 27 homozygotes.

Submissions (3):

Illumina Laboratory Services, Illumina
Classification: Benign for Congenital stationary night blindness autosomal dominant 2. Last evaluated: 2018-01-13. Review status: criteria provided, single submitter. Criteria: ICSL Variant Classification Criteria 13 December 2019. Collection method: clinical testing. Allele origin: germline.
Comment: This variant was observed in the ICSL laboratory as part of a predisposition screen in an ostensibly healthy population. It had not been previously curated by ICSL or reported in the Human Gene Mutation Database (HGMD: prior to June 1st, 2018), and was therefore a candidate for classification through an automated scoring system. Utilizing variant allele frequency, disease prevalence and penetrance estimates, and inheritance mode, an automated score was calculated to assess if this variant is too frequent to cause the disease. Based on the score and internal cut-off values, a variant classified as benign is not then subjected to further curation. The score for this variant resulted in a classification of benign for this disease.

Illumina Laboratory Services, Illumina
Classification: Likely benign for Retinitis pigmentosa. Last evaluated: 2018-01-13. Review status: criteria provided, single submitter. Criteria: ICSL Variant Classification Criteria 13 December 2019. Collection method: clinical testing. Allele origin: germline.
Comment: This variant was observed in the ICSL laboratory as part of a predisposition screen in an ostensibly healthy population. It had not been previously curated by ICSL or reported in the Human Gene Mutation Database (HGMD: prior to June 1st, 2018), and was therefore a candidate for classification through an automated scoring system. Utilizing variant allele frequency, disease prevalence and penetrance estimates, and inheritance mode, an automated score was calculated to assess if this variant is too frequent to cause the disease. Based on the score and internal cut-off values, a variant classified as likely benign is not then subjected to further curation. The score for this variant resulted in a classification of likely benign for this disease.

Breakthrough Genomics
Classification: Likely benign. Review status: criteria provided, single submitter. Criteria: ACMG Guidelines, 2015. Collection method: not provided. Allele origin: germline. Inheritance: Autosomal recessive inheritance. Affected: yes.